The following is an entry in ClinVar:

NM_001385012.1(NBEA):c.6091C>T (p.Arg2031Ter)

Gene: NBEA (neurobeachin; plus strand). Cytogenetic location: 13q13.3.
Variant type: single nucleotide variant.
Coding change: c.6091C>T on transcript NM_001385012.1 (MANE Select); coding-DNA position 6091, C replaced by T.
Protein change: p.Arg2031Ter; replaces arginine 2031 with a stop codon.
Molecular consequence: nonsense.
Genome position (GRCh38, 1-based): chr13:35,352,235, C>T. VCF-style: chr13-35352235-C-T. GRCh37 (hg19) VCF-style: chr13-35926372-C-T.
Other names: c.6082C>T, p.Arg2028Ter (NM_001379245.1); c.6091C>T, p.Arg2031Ter (NM_015678.5); short protein forms R2028*, R2031*.
Identifiers: ClinVar variation 4077076 (VCV004077076.1).

ClinVar aggregate classification (germline): Likely pathogenic (1 of 4 stars; one submission).

Conditions:
Neurodevelopmental disorder with or without early-onset generalized epilepsy. Identifiers: MedGen C5436914, MONDO:0030930, OMIM 619157.

gnomAD v4.1: 2 of 1,569,612 alleles (0.00013%); highest among the groups gnomAD compares: South Asian, 0.0012%; no homozygotes.

Submission:

MVZ Medizinische Genetik Mainz
Classification: Likely pathogenic for Neurodevelopmental disorder with or without early-onset generalized epilepsy. Last evaluated: 2025-07-11. Review status: criteria provided, single submitter. Criteria: UK Practice Guidelines For Variant Classification V4 01 2020. Collection method: clinical testing. Allele origin: germline. Inheritance: Autosomal dominant inheritance. Affected: yes. Observed: 1 variant allele.
Comment: ACMG Criteria: PVS1,PM2_SUP